The following is an entry in ClinVar:

ClinVar aggregate classification (germline): Uncertain significance. Review status: criteria provided, multiple submitters, no conflicts (2 of 4 stars). 5 submissions from 5 submitters: Uncertain significance (4). 1 of the submissions does not count toward it. Last evaluated 2024-11-18.

Conditions:
Combined malonic and methylmalonic acidemia. Identifiers: Orphanet 289504, MedGen C3280314, MONDO:0013661, OMIM 614265.

Allele frequency attached by ClinVar (database versions not stated): gnomAD exomes 0.00010; gnomAD 0.00011; TOPMed 0.00012; ExAC 0.00025.
gnomAD v4.1: 159 of 1,601,156 alleles (0.0099%); highest among the groups gnomAD compares: Non-Finnish European, 0.013%; no homozygotes.

Submissions (5):

Blueprint Genetics
Classification: Uncertain significance. Last evaluated: 2024-11-18. Review status: criteria provided, single submitter. Criteria: ACMG Guidelines, 2015. Collection method: clinical testing. Allele origin: germline.

Labcorp Genetics (formerly Invitae), Labcorp
Classification: Uncertain significance for Combined malonic and methylmalonic acidemia. Last evaluated: 2022-10-05. Review status: criteria provided, single submitter. Criteria: Invitae Variant Classification Sherloc (09022015). Collection method: clinical testing. Allele origin: germline.
Comment: This sequence change replaces proline, which is neutral and non-polar, with alanine, which is neutral and non-polar, at codon 209 of the ACSF3 protein (p.Pro209Ala). This variant is present in population databases (rs201953109, gnomAD 0.02%). This variant has not been reported in the literature in individuals affected with ACSF3-related conditions. ClinVar contains an entry for this variant (Variation ID: 1188377). Algorithms developed to predict the effect of missense changes on protein structure and function (SIFT, PolyPhen-2, Align-GVGD) all suggest that this variant is likely to be disruptive. In summary, the available evidence is currently insufficient to determine the role of this variant in disease. Therefore, it has been classified as a Variant of Uncertain Significance.

ARUP Laboratories, Molecular Genetics and Genomics, ARUP Laboratories
Classification: Uncertain significance for Combined malonic and methylmalonic acidemia. Last evaluated: 2021-11-19. Review status: criteria provided, single submitter. Criteria: ARUP Molecular Germline Variant Investigation Process 2021. Collection method: clinical testing. Allele origin: germline.
Comment: The ACSF3 c.625C>G; p.Pro209Ala variant (rs201953109), to our knowledge, is not reported in the medical literature but is reported in ClinVar (Variation ID: 1188377). This variant is found in the general population with an overall allele frequency of 0.010% (26/252250 alleles) in the Genome Aggregation Database. The proline at codon 209 is highly conserved, and computational analyses predict that this variant is deleterious (REVEL: 0.723). Due to limited information, the clinical significance of the p.Pro209Ala variant is uncertain at this time.

GeneDx
Classification: Uncertain significance. Last evaluated: 2020-09-16. Review status: criteria provided, single submitter. Criteria: GeneDx Variant Classification Process June 2021. Collection method: clinical testing. Allele origin: germline. Affected: yes.
Comment: In silico analysis supports that this missense variant has a deleterious effect on protein structure/function; Has not been previously published as pathogenic or benign to our knowledge

Natera, Inc.
Classification: Uncertain significance for Combined malonic and methylmalonic aciduria. Last evaluated: 2021-09-01. Review status: no assertion criteria provided. Collection method: clinical testing. Allele origin: germline. Not counted in ClinVar's aggregate classification.

NM_001243279.3(ACSF3):c.625C>G (p.Pro209Ala)

Gene: ACSF3 (acyl-CoA synthetase family member 3; plus strand). Cytogenetic location: 16q24.3.
Variant type: single nucleotide variant.
Coding change: c.625C>G on transcript NM_001243279.3 (MANE Select); coding-DNA position 625, C replaced by G.
Protein change: p.Pro209Ala; replaces proline 209 with alanine.
Molecular consequence: missense variant. On other transcripts: non-coding transcript variant (3), intron variant (1).
Genome position (GRCh38, 1-based): chr16:89,101,306, C>G. VCF-style: chr16-89101306-C-G. GRCh37 (hg19) VCF-style: chr16-89167714-C-G.
Other names: c.625C>G, p.Pro209Ala (NM_001127214.4, NM_174917.5); c.-129-1298C>G (NM_001284316.2); short protein forms P209A.
Identifiers: ClinVar variation 1188377 (VCV001188377.16), dbSNP rs201953109, ClinGen allele CA8237710.
Genomic context (GRCh38, chr16:89,101,306, plus strand): 5'-GAGCAGGGATGGAGGAACAAGGGCGCCATGATCATCTACACCAGTGGGACCACGGGGAGG[C>G]CCAAGGGCGTGCTGAGCACGCACCAAAACATCAGGGCTGTGGTGAGTGCCGCCTGGCGCC-3'
Protein context (NP_001230208.1, residues 199-219): IIYTSGTTGR[Pro209Ala]KGVLSTHQNI